The following is an entry in ClinVar:

NM_152594.3(SPRED1):c.1200C>G (p.Phe400Leu)

Gene: SPRED1 (sprouty related EVH1 domain containing 1; plus strand). Cytogenetic location: 15q14.
Variant type: single nucleotide variant.
Coding change: c.1200C>G on transcript NM_152594.3 (MANE Select); coding-DNA position 1200, C replaced by G.
Protein change: p.Phe400Leu; replaces phenylalanine 400 with leucine.
Molecular consequence: missense variant.
Genome position (GRCh38, 1-based): chr15:38,351,529, C>G. VCF-style: chr15-38351529-C-G. GRCh37 (hg19) VCF-style: chr15-38643730-C-G.
Other names: short protein forms F400L.
Identifiers: ClinVar variation 4615022 (VCV004615022.1).

ClinVar aggregate classification (germline): Uncertain significance (1 of 4 stars; one submission).

Conditions:
Cardiovascular phenotype. Identifiers: MedGen CN230736.

gnomAD v4.1: 3 of 1,614,116 alleles (0.00019%); highest among the groups gnomAD compares: Non-Finnish European, 0.00025%; no homozygotes.

Submission:

Ambry Genetics
Classification: Uncertain significance for Cardiovascular phenotype. Last evaluated: 2025-10-28. Review status: criteria provided, single submitter. Criteria: Ambry Variant Classification Scheme 2023. Collection method: clinical testing. Allele origin: germline.
Comment: The p.F400L variant (also known as c.1200C>G), located in coding exon 7 of the SPRED1 gene, results from a C to G substitution at nucleotide position 1200. The phenylalanine at codon 400 is replaced by leucine, an amino acid with highly similar properties. This amino acid position is conserved. In addition, this alteration is predicted to be tolerated by in silico analysis. Based on the available evidence, the clinical significance of this variant remains unclear.